The following is an entry in ClinVar:

NM_006922.4(SCN3A):c.2061C>G (p.Ser687Arg)

Gene: SCN3A (sodium voltage-gated channel alpha subunit 3; minus strand). Cytogenetic location: 2q24.3.
Variant type: single nucleotide variant.
Coding change: c.2061C>G on transcript NM_006922.4 (MANE Select); coding-DNA position 2061, C replaced by G.
Protein change: p.Ser687Arg; replaces serine 687 with arginine.
Molecular consequence: missense variant.
Genome position (GRCh38, 1-based): chr2:165,139,567, G>C on the plus strand (C>G on the coding strand, the complement: SCN3A is on the minus strand). VCF-style: chr2-165139567-G-C. GRCh37 (hg19) VCF-style: chr2-165996077-G-C.
Other names: c.1914C>G, p.Ser638Arg (NM_001081676.2, NM_001081677.2); short protein forms S638R, S687R.
Identifiers: ClinVar variation 3375651 (VCV003375651.1).

ClinVar aggregate classification (germline): Uncertain significance (1 of 4 stars; one submission).

Submission:

GeneDx
Classification: Uncertain significance. Last evaluated: 2024-05-08. Review status: criteria provided, single submitter. Criteria: GeneDx Variant Classification Process June 2021. Collection method: clinical testing. Allele origin: germline. Affected: yes.
Comment: Not observed at significant frequency in large population cohorts (gnomAD); In silico analysis supports that this missense variant has a deleterious effect on protein structure/function; Has not been previously published as pathogenic or benign to our knowledge